The following is an entry in ClinVar:

NM_005477.3(HCN4):c.3077G>A (p.Ser1026Asn)

Gene: HCN4 (hyperpolarization activated cyclic nucleotide gated potassium channel 4; minus strand). Cytogenetic location: 15q24.1.
Variant type: single nucleotide variant.
Coding change: c.3077G>A on transcript NM_005477.3 (MANE Select); coding-DNA position 3077, G replaced by A.
Protein change: p.Ser1026Asn; replaces serine 1026 with asparagine.
Molecular consequence: missense variant.
Genome position (GRCh38, 1-based): chr15:73,323,016, C>T on the plus strand (G>A on the coding strand, the complement: HCN4 is on the minus strand). VCF-style: chr15-73323016-C-T. GRCh37 (hg19) VCF-style: chr15-73615357-C-T.
Other names: short protein forms S1026N.
Identifiers: ClinVar variation 264302 (VCV000264302.5), dbSNP rs886039118, ClinGen allele CA10587881.

ClinVar aggregate classification (germline): Uncertain significance (1 of 4 stars; one submission).

Conditions:
Cardiovascular phenotype. Identifiers: MedGen CN230736.

gnomAD v4.1: 1 of 1,475,320 alleles (0.000068%); highest among the groups gnomAD compares: Non-Finnish European, 0.00009%; no homozygotes.

Submission:

Ambry Genetics
Classification: Uncertain significance for Cardiovascular phenotype. Last evaluated: 2015-09-04. Review status: criteria provided, single submitter. Criteria: Ambry Variant Classification Scheme 2023. Collection method: clinical testing. Allele origin: germline.
Comment: The p.S1026N variant (also known as c.3077G>A), located in coding exon 8 of the HCN4 gene, results from a G to A substitution at nucleotide position 3077. The serine at codon 1026 is replaced by asparagine, an amino acid with highly similar properties. This variant was not reported in population based cohorts in the following databases: Database of Single Nucleotide Polymorphisms (dbSNP), NHLBI Exome Sequencing Project (ESP), and 1000 Genomes Project. In the ESP, this variant was not observed in 4646 samples (9292 alleles) with coverage at this position. This amino acid position is not well conserved in available vertebrate species. In addition, this alteration is predicted to be tolerated by in silico analysis. Since supporting evidence is limited at this time, the clinical significance of the variant remains unclear.